The following is an entry in ClinVar:

NM_006734.4(HIVEP2):c.-11T>G

Gene: HIVEP2 (HIVEP zinc finger 2; minus strand). Cytogenetic location: 6q24.2.
Variant type: single nucleotide variant.
Coding change: c.-11T>G on transcript NM_006734.4 (MANE Select); 11 bases upstream of the start codon, T replaced by G.
Molecular consequence: 5 prime UTR variant.
Genome position (GRCh38, 1-based): chr6:142,774,749, A>C on the plus strand (T>G on the coding strand, the complement: HIVEP2 is on the minus strand). VCF-style: chr6-142774749-A-C. GRCh37 (hg19) VCF-style: chr6-143095886-A-C.
Identifiers: ClinVar variation 3339905 (VCV003339905.1).
Genomic context (GRCh38, chr6:142,774,749, plus strand): 5'-CCAGACCTTGAGGTAGCTTTTTGTCCTAGAGCTGTGTCCCCAGTGTCCATTTTGTTACAC[A>C]AGGTCTTAAGTGCTAGTTCCCCTGAAAGCAGTGCAGACTCATGGAGTGTCTCCAAAGCTG-3'

ClinVar aggregate classification (germline): Uncertain significance (1 of 4 stars; one submission).

gnomAD v4.1: 5 of 1,611,908 alleles (0.00031%); highest among the groups gnomAD compares: Admixed American, 0.0033%; no homozygotes.

Submission:

Women's Health and Genetics/Laboratory Corporation of America, LabCorp
Classification: Uncertain significance. Last evaluated: 2024-06-20. Review status: criteria provided, single submitter. Criteria: LabCorp Variant Classification Summary - May 2015. Collection method: clinical testing. Allele origin: germline.
Comment: Variant summary: HIVEP2 c.-11T>G is located in the untranslated mRNA region upstream of the initiation codon. The variant allele was found at a frequency of 1.2e-05 in 247604 control chromosomes. The available data on variant occurrences in the general population are insufficient to allow any conclusion about variant significance. To our knowledge, no occurrence of c.-11T>G in individuals affected with Intellectual Disability, Autosomal Dominant 43 and no experimental evidence demonstrating its impact on protein function have been reported. No submitters have cited clinical-significance assessments for this variant to ClinVar. Based on the evidence outlined above, the variant was classified as uncertain significance.